The following is an entry in ClinVar:

NM_006949.4(STXBP2):c.874C>T (p.Arg292Cys)

Gene: STXBP2 (syntaxin binding protein 2; plus strand). Cytogenetic location: 19p13.2.
Variant type: single nucleotide variant.
Coding change: c.874C>T on transcript NM_006949.4 (MANE Select); coding-DNA position 874, C replaced by T.
Protein change: p.Arg292Cys; replaces arginine 292 with cysteine.
Molecular consequence: missense variant. On other transcripts: non-coding transcript variant (1).
Genome position (GRCh38, 1-based): chr19:7,642,508, C>T. VCF-style: chr19-7642508-C-T. GRCh37 (hg19) VCF-style: chr19-7707394-C-T.
Other names: c.865C>T, p.Arg289Cys (NM_001127396.3); c.907C>T, p.Arg303Cys (NM_001272034.2); c.778C>T, p.Arg260Cys (NM_001414484.1); short protein forms R260C, R303C, R292C, R289C.
Identifiers: ClinVar variation 1935050 (VCV001935050.2), dbSNP rs780029103, ClinGen allele CA9143826.

ClinVar aggregate classification (germline): Uncertain significance (1 of 4 stars; one submission).

Conditions:
Familial hemophagocytic lymphohistiocytosis 5. Also called: STXBP2-Related Familial Hemophagocytic Lymphohistiocytosis (STXBP2-fHLH). Identifiers: Orphanet 540, MedGen C2751293, MONDO:0013135, OMIM 613101.

Allele frequency attached by ClinVar (database versions not stated): ExAC 0.00001; gnomAD 0.00001; gnomAD exomes 0.00002.
gnomAD v4.1: 31 of 1,613,910 alleles (0.0019%); highest among the groups gnomAD compares: Non-Finnish European, 0.0025%; no homozygotes.

Submission:

Labcorp Genetics (formerly Invitae), Labcorp
Classification: Uncertain significance for Familial hemophagocytic lymphohistiocytosis 5. Last evaluated: 2022-02-12. Review status: criteria provided, single submitter. Criteria: Invitae Variant Classification Sherloc (09022015). Collection method: clinical testing. Allele origin: germline.
Comment: This sequence change replaces arginine, which is basic and polar, with cysteine, which is neutral and slightly polar, at codon 292 of the STXBP2 protein (p.Arg292Cys). This variant is present in population databases (rs780029103, gnomAD 0.0009%). This variant has not been reported in the literature in individuals affected with STXBP2-related conditions. Algorithms developed to predict the effect of missense changes on protein structure and function are either unavailable or do not agree on the potential impact of this missense change (SIFT: "Deleterious"; PolyPhen-2: "Benign"; Align-GVGD: "Class C0"). In summary, the available evidence is currently insufficient to determine the role of this variant in disease. Therefore, it has been classified as a Variant of Uncertain Significance.